The following is an entry in ClinVar:

NM_000245.4(MET):c.2580T>A (p.Ile860=)

Gene: MET (MET proto-oncogene, receptor tyrosine kinase; plus strand). Cytogenetic location: 7q31.2.
Variant type: single nucleotide variant.
Coding change: c.2580T>A on transcript NM_000245.4 (MANE Select); coding-DNA position 2580, T replaced by A.
Protein change: p.Ile860=; no amino-acid change (isoleucine 860 retained).
Molecular consequence: synonymous variant.
Genome position (GRCh38, 1-based): chr7:116,763,265, T>A. VCF-style: chr7-116763265-T-A. GRCh37 (hg19) VCF-style: chr7-116403319-T-A.
Other names: c.2634T>A, p.Ile878= (NM_001127500.3); c.2580T>A, p.Ile860= (NM_001324401.3); c.1290T>A, p.Ile430= (NM_001324402.2).
Identifiers: ClinVar variation 3773067 (VCV003773067.2).

ClinVar aggregate classification (germline): Benign/Likely benign. Review status: criteria provided, multiple submitters, no conflicts (2 of 4 stars). 2 submissions from 2 submitters: Benign (1); Likely benign (1). Last evaluated 2026-08-27.

Conditions:
Papillary renal cell carcinoma type 1 (RCCP1). Also called: RENAL CELL CARCINOMA, PAPILLARY, 1, SOMATIC; Renal adenocarcinoma; Renal cell carcinoma 1; Renal cell carcinoma, somatic. Identifiers: Orphanet 47044, MedGen C1336839, OMIM 605074, HP:0011797.
Hereditary cancer-predisposing syndrome. Also called: Tumor predisposition; Hereditary neoplastic syndrome; Hereditary Cancer Syndrome; Neoplastic Syndromes, Hereditary. Identifiers: Orphanet 140162, MedGen C0027672, MeSH D009386, MONDO:0015356.

Submissions (2):

Ambry Genetics
Classification: Likely benign for Hereditary cancer-predisposing syndrome. Last evaluated: 2026-08-27. Review status: criteria provided, single submitter. Criteria: Ambry Variant Classification Scheme 2023. Collection method: clinical testing. Allele origin: germline.

Myriad Genetics, Inc.
Classification: Benign for Papillary renal cell carcinoma type 1. Last evaluated: 2024-11-11. Review status: criteria provided, single submitter. Criteria: Myriad Autosomal Dominant, Autosomal Recessive and X-Linked Classification Criteria (2023). Collection method: clinical testing. Allele origin: unknown.
Comment: This variant is considered benign. This variant is a silent/synonymous amino acid change and it is not expected to impact splicing.